The following is an entry in ClinVar:

ClinVar aggregate classification (germline): Uncertain significance. Review status: criteria provided, multiple submitters, no conflicts (2 of 4 stars). 2 submissions from 2 submitters: Uncertain significance (2). Last evaluated 2023-01-27.

Conditions:
Renal cell carcinoma. Identifiers: Orphanet 217071, MedGen C0007134, MeSH D002292, MONDO:0005086, HP:0005584.

Allele frequency attached by ClinVar (database versions not stated): gnomAD exomes below 0.00001.
gnomAD v4.1: 2 of 1,614,056 alleles (0.00012%); highest among the groups gnomAD compares: Non-Finnish European, 0.00017%; no homozygotes.

Submissions (2):

GeneDx
Classification: Uncertain significance. Last evaluated: 2023-01-27. Review status: criteria provided, single submitter. Criteria: GeneDx Variant Classification Process June 2021. Collection method: clinical testing. Allele origin: germline. Affected: yes.
Comment: Not observed at significant frequency in large population cohorts (gnomAD); Has not been previously published as pathogenic or benign to our knowledge; Nonsense variant predicted to result in protein truncation or nonsense mediated decay in a gene for which loss-of-function is not a known mechanism of disease; This variant is associated with the following publications: (PMID: 32034076)

Labcorp Genetics (formerly Invitae), Labcorp
Classification: Uncertain significance for Renal cell carcinoma. Last evaluated: 2022-11-04. Review status: criteria provided, single submitter. Criteria: Invitae Variant Classification Sherloc (09022015). Collection method: clinical testing. Allele origin: germline.
Comment: This variant is not present in population databases (gnomAD no frequency). In summary, the available evidence is currently insufficient to determine the role of this variant in disease. Therefore, it has been classified as a Variant of Uncertain Significance. ClinVar contains an entry for this variant (Variation ID: 1379884). This variant has not been reported in the literature in individuals affected with MET-related conditions. This sequence change creates a premature translational stop signal (p.Arg469*) in the MET gene. It is expected to result in an absent or disrupted protein product. However, the current clinical and genetic evidence is not sufficient to establish whether loss-of-function variants in MET cause disease.

NM_000245.4(MET):c.1405C>T (p.Arg469Ter)

Gene: MET (MET proto-oncogene, receptor tyrosine kinase; plus strand). Cytogenetic location: 7q31.2.
Variant type: single nucleotide variant.
Coding change: c.1405C>T on transcript NM_000245.4 (MANE Select); coding-DNA position 1405, C replaced by T.
Protein change: p.Arg469Ter; replaces arginine 469 with a stop codon.
Molecular consequence: nonsense.
Genome position (GRCh38, 1-based): chr7:116,739,962, C>T. VCF-style: chr7-116739962-C-T. GRCh37 (hg19) VCF-style: chr7-116380016-C-T.
Other names: c.1405C>T, p.Arg469Ter (NM_001127500.3, NM_001324401.3); c.115C>T, p.Arg39Ter (NM_001324402.2); c.1405C>T (NM_001127500.1); short protein forms R39*, R469*.
Identifiers: ClinVar variation 1379884 (VCV001379884.6), dbSNP rs2116825789, ClinGen allele CA368974029.
Genomic context (GRCh38, chr7:116,739,962, plus strand): 5'-AAACTGAGCTTGTTGGAATAAGGATGTTATAACTTTTTTGCTGTTTAGGTTGTGGTTTCT[C>T]GATCAGGACCATCAACCCCTCATGTGAATTTTCTCCTGGACTCCCATCCAGTGTCTCCAG-3'